The following is an entry in ClinVar:

NM_000395.3(CSF2RB):c.1799G>A (p.Arg600His)

Gene: CSF2RB (colony stimulating factor 2 receptor subunit beta; plus strand). Cytogenetic location: 22q12.3.
Variant type: single nucleotide variant.
Coding change: c.1799G>A on transcript NM_000395.3 (MANE Select); coding-DNA position 1799, G replaced by A.
Protein change: p.Arg600His; replaces arginine 600 with histidine.
Molecular consequence: missense variant.
Genome position (GRCh38, 1-based): chr22:36,937,607, G>A. VCF-style: chr22-36937607-G-A. GRCh37 (hg19) VCF-style: chr22-37333649-G-A.
Other names: short protein forms R600H.
Identifiers: ClinVar variation 1346535 (VCV001346535.6), dbSNP rs41283223, ClinGen allele CA10213982.
Genomic context (GRCh38, chr22:36,937,607, plus strand): 5'-CTGAGAAACAGGCTTCCAGCTTTGACTTCAATGGGCCCTACCTGGGGCCGCCCCACAGCC[G>A]CTCCCTACCTGACATCCTGGGCCAGCCGGAGCCCCCACAGGAGGGTGGGAGCCAGAAGTC-3'
Protein context (NP_000386.1, residues 590-610): NGPYLGPPHS[Arg600His]SLPDILGQPE

ClinVar aggregate classification (germline): Uncertain significance (1 of 4 stars; one submission).

Allele frequency attached by ClinVar (database versions not stated): ExAC 0.00005; gnomAD 0.00006 and 0.00007; gnomAD exomes 0.00006; 1000 Genomes Project 30x 0.00031; 1000 Genomes Project 0.00040.
gnomAD v4.1: 160 of 1,579,518 alleles (0.01%); highest among the groups gnomAD compares: East Asian, 0.023%; no homozygotes.

Submission:

Labcorp Genetics (formerly Invitae), Labcorp
Classification: Uncertain significance. Last evaluated: 2026-01-26. Review status: criteria provided, single submitter. Criteria: Invitae Variant Classification Sherloc (09022015). Collection method: clinical testing. Allele origin: germline.
Comment: This sequence change replaces arginine, which is basic and polar, with histidine, which is basic and polar, at codon 600 of the CSF2RB protein (p.Arg600His). This variant is present in population databases (rs41283223, gnomAD 0.03%). This variant has not been reported in the literature in individuals affected with CSF2RB-related conditions. ClinVar contains an entry for this variant (Variation ID: 1346535). Invitae Evidence Modeling of protein sequence and biophysical properties (such as structural, functional, and spatial information, amino acid conservation, physicochemical variation, residue mobility, and thermodynamic stability) indicates that this missense variant is not expected to disrupt CSF2RB protein function with a negative predictive value of 80%. In summary, the available evidence is currently insufficient to determine the role of this variant in disease. Therefore, it has been classified as a Variant of Uncertain Significance.